The following is an entry in ClinVar:

ClinVar aggregate classification (germline): Likely benign. Review status: criteria provided, multiple submitters, no conflicts (2 of 4 stars). 2 submissions from 2 submitters: Likely benign (2). Last evaluated 2022-12-11.

Allele frequency attached by ClinVar (database versions not stated): gnomAD exomes 0.00001.
gnomAD v4.1: 3 of 1,614,136 alleles (0.00019%); highest among the groups gnomAD compares: Non-Finnish European, 0.00025%; no homozygotes.

Submissions (2):

Ambry Genetics
Classification: Likely benign. Last evaluated: 2022-12-11. Review status: criteria provided, single submitter. Criteria: Ambry Variant Classification Scheme 2023. Collection method: clinical testing. Allele origin: germline.

CeGaT Center for Human Genetics Tuebingen
Classification: Likely benign. Last evaluated: 2022-12-01. Review status: criteria provided, single submitter. Criteria: CeGaT Center For Human Genetics Tuebingen Variant Classification Criteria Version 2. Collection method: clinical testing. Allele origin: germline. Affected: yes. Observed: 1 variant allele.
Comment: KIF1B: PM2:Supporting, BP4, BP7

NM_001365951.3(KIF1B):c.3216G>A (p.Glu1072=)

Gene: KIF1B (kinesin family member 1B; plus strand). Cytogenetic location: 1p36.22.
Variant type: single nucleotide variant.
Coding change: c.3216G>A on transcript NM_001365951.3 (MANE Select); coding-DNA position 3216, G replaced by A.
Protein change: p.Glu1072=; no amino-acid change (glutamic acid 1072 retained).
Molecular consequence: synonymous variant.
Genome position (GRCh38, 1-based): chr1:10,337,160, G>A. VCF-style: chr1-10337160-G-A. GRCh37 (hg19) VCF-style: chr1-10397218-G-A.
Other names: c.3216G>A, p.Glu1072= (NM_001365952.1); c.3078G>A, p.Glu1026= (NM_015074.3).
Identifiers: ClinVar variation 2448125 (VCV002448125.26), dbSNP rs2521719395, ClinGen allele CA415882356.